The following is an entry in ClinVar:

NM_020975.6(RET):c.3313G>A (p.Ala1105Thr)

Gene: RET (ret proto-oncogene; plus strand). Cytogenetic location: 10q11.21.
Variant type: single nucleotide variant.
Coding change: c.3313G>A on transcript NM_020975.6 (MANE Select); coding-DNA position 3313, G replaced by A.
Protein change: p.Ala1105Thr; replaces alanine 1105 with threonine.
Molecular consequence: missense variant. On other transcripts: 3 prime UTR variant (18), intron variant (3).
Genome position (GRCh38, 1-based): chr10:43,128,237, G>A. VCF-style: chr10-43128237-G-A. GRCh37 (hg19) VCF-style: chr10-43623685-G-A.
Other names: c.*1483G>A (NM_001355216.2, NM_001406764.1, NM_001406765.1 and 15 more transcripts); c.3313G>A, p.Ala1105Thr (NM_001406743.1); c.3253G>A, p.Ala1085Thr (NM_001406759.1, NM_001406760.1); c.3184G>A, p.Ala1062Thr (NM_001406761.1, NM_001406762.1); c.3178G>A, p.Ala1060Thr (NM_001406763.1); c.3025G>A, p.Ala1009Thr (NM_001406766.1, NM_001406767.1); c.2917G>A, p.Ala973Thr (NM_001406769.1); c.2875G>A, p.Ala959Thr (NM_001406771.1); and 10 more; short protein forms A1009T, A1060T, A1062T, A1085T, A1105T, A602T, A622T, A710T.
Identifiers: ClinVar variation 4882524 (VCV004882524.2).

ClinVar aggregate classification (germline): Uncertain significance (1 of 4 stars; one submission).

Submission:

Dasa
Classification: Uncertain significance. Last evaluated: 2025-01-03. Review status: criteria provided, single submitter. Criteria: DASA Assertion Criteria. Collection method: clinical testing. Allele origin: germline.
Comment: NM_020975.6(RET):c.3313G>A (p.Ala1105Thr) is a missense variant that results in the substitution of alanine with threonine. This variant is absent from population databases. Computational prediction algorithms are consistent with a benign effect. The currently available literature and clinical evidence are not sufficient to establish a definitive association between this variant and the reported condition. Therefore, this variant is classified as a variant of uncertain significance.